The following is an entry in ClinVar:

ClinVar aggregate classification (germline): Uncertain significance (1 of 4 stars; one submission).

Allele frequency attached by ClinVar (database versions not stated): gnomAD 0.00001.
gnomAD v4.1: 5 of 1,614,082 alleles (0.00031%); highest among the groups gnomAD compares: Non-Finnish European, 0.00042%; no homozygotes.

Submission:

Labcorp Genetics (formerly Invitae), Labcorp
Classification: Uncertain significance. Last evaluated: 2025-07-13. Review status: criteria provided, single submitter. Criteria: Invitae Variant Classification Sherloc (09022015). Collection method: clinical testing. Allele origin: germline.
Comment: This sequence change replaces isoleucine, which is neutral and non-polar, with valine, which is neutral and non-polar, at codon 68 of the SIAE protein (p.Ile68Val). This variant is present in population databases (rs763535524, gnomAD 0.0009%). This variant has not been reported in the literature in individuals affected with SIAE-related conditions. ClinVar contains an entry for this variant (Variation ID: 2974749). An algorithm developed to predict the effect of missense changes on protein structure and function outputs the following: PolyPhen-2: "Benign". The valine amino acid residue is found in multiple mammalian species, which suggests that this missense change does not adversely affect protein function. In summary, the available evidence is currently insufficient to determine the role of this variant in disease. Therefore, it has been classified as a Variant of Uncertain Significance.

NM_170601.5(SIAE):c.202A>G (p.Ile68Val)

Gene: SIAE (sialic acid acetylesterase; minus strand). Cytogenetic location: 11q24.2.
Variant type: single nucleotide variant.
Coding change: c.202A>G on transcript NM_170601.5 (MANE Select); coding-DNA position 202, A replaced by G.
Protein change: p.Ile68Val; replaces isoleucine 68 with valine.
Molecular consequence: missense variant.
Genome position (GRCh38, 1-based): chr11:124,669,387, T>C on the plus strand (A>G on the coding strand, the complement: SIAE is on the minus strand). VCF-style: chr11-124669387-T-C. GRCh37 (hg19) VCF-style: chr11-124539283-T-C.
Other names: c.97A>G, p.Ile33Val (NM_001199922.2); short protein forms I33V, I68V.
Identifiers: ClinVar variation 2974749 (VCV002974749.3), dbSNP rs763535524, ClinGen allele CA6341633.